The following is an entry in ClinVar:

NM_001036.6(RYR3):c.11793T>C (p.Tyr3931=)

Gene: RYR3 (ryanodine receptor 3; plus strand). Cytogenetic location: 15q14.
Variant type: single nucleotide variant.
Coding change: c.11793T>C on transcript NM_001036.6 (MANE Select); coding-DNA position 11793, T replaced by C.
Protein change: p.Tyr3931=; no amino-acid change (tyrosine 3931 retained).
Molecular consequence: synonymous variant.
Genome position (GRCh38, 1-based): chr15:33,837,773, T>C. VCF-style: chr15-33837773-T-C. GRCh37 (hg19) VCF-style: chr15-34129974-T-C.
Other names: c.11793T>C (NM_001036.4); c.11778T>C, p.Tyr3926= (NM_001243996.4).
Identifiers: ClinVar variation 1120342 (VCV001120342.10), dbSNP rs890576989, ClinGen allele CA268591855.

ClinVar aggregate classification (germline): Likely benign. Review status: criteria provided, multiple submitters, no conflicts (2 of 4 stars). 2 submissions from 2 submitters: Likely benign (2). Last evaluated 2026-03-11.

Conditions:
RYR3-related disorder. Also called: RYR3-related condition.
Epileptic encephalopathy. Identifiers: MedGen C0543888, HP:0200134.

Allele frequency attached by ClinVar (database versions not stated): gnomAD exomes below 0.00001 and 0.00001; gnomAD 0.00001 and 0.00002; TOPMed 0.00008.
gnomAD v4.1: 8 of 1,613,824 alleles (0.0005%); highest among the groups gnomAD compares: Admixed American, 0.0083%; no homozygotes.

Submissions (2):

PreventionGenetics, part of Exact Sciences
Classification: Likely benign for RYR3-related condition. Last evaluated: 2026-03-11. Review status: criteria provided, single submitter. Criteria: ACMG Guidelines, 2015. Collection method: clinical testing. Allele origin: germline.
Comment: This variant is classified as likely benign based on ACMG/AMP sequence variant interpretation guidelines (Richards et al. 2015 PMID: 25741868, with internal and published modifications).

Labcorp Genetics (formerly Invitae), Labcorp
Classification: Likely benign for Epileptic encephalopathy. Last evaluated: 2020-03-17. Review status: criteria provided, single submitter. Criteria: Invitae Variant Classification Sherloc (09022015). Collection method: clinical testing. Allele origin: germline.